The following is an entry in ClinVar:

ClinVar aggregate classification (germline): Uncertain significance (1 of 4 stars; one submission).

Conditions:
Cardiomyopathy (CMYO). Also called: Cardiomyopathies. Identifiers: Orphanet 167848, MedGen C0878544, MONDO:0004994, HP:0001638. Inheritance: Various modes of inheritance.

gnomAD v4.1: 3 of 1,614,204 alleles (0.00019%); highest among the groups gnomAD compares: South Asian, 0.0022%; no homozygotes.

Submission:

Color Diagnostics, LLC DBA Color Health
Classification: Uncertain significance for Cardiomyopathy. Last evaluated: 2025-06-09. Review status: criteria provided, single submitter. Criteria: ACMG Guidelines, 2015. Collection method: clinical testing. Allele origin: germline.
Comment: This missense variant replaces glutamic acid with glycine at codon 2126 of the DSP protein. Computational prediction suggests that this variant may have deleterious impact on protein structure and function. To our knowledge, functional studies have not been reported for this variant. This variant has not been reported in individuals affected with DSP-related disorders in the literature. This variant has been identified in 1/251366 chromosomes in the general population by the Genome Aggregation Database (gnomAD). The available evidence is insufficient to determine the role of this variant in disease conclusively. Therefore, this variant is classified as a Variant of Uncertain Significance.

NM_004415.4(DSP):c.6377A>G (p.Glu2126Gly)

Gene: DSP (desmoplakin; plus strand). Cytogenetic location: 6p24.3.
Variant type: single nucleotide variant.
Coding change: c.6377A>G on transcript NM_004415.4 (MANE Select); coding-DNA position 6377, A replaced by G.
Protein change: p.Glu2126Gly; replaces glutamic acid 2126 with glycine.
Molecular consequence: missense variant.
Genome position (GRCh38, 1-based): chr6:7,583,639, A>G. VCF-style: chr6-7583639-A-G. GRCh37 (hg19) VCF-style: chr6-7583872-A-G.
Other names: c.4580A>G, p.Glu1527Gly (NM_001008844.3); c.5048A>G, p.Glu1683Gly (NM_001319034.2); short protein forms E1527G, E1683G, E2126G.
Identifiers: ClinVar variation 4757072 (VCV004757072.1).